The following is an entry in ClinVar:

ClinVar aggregate classification (germline): Uncertain significance (1 of 4 stars; one submission).

Conditions:
Inborn genetic diseases. Identifiers: MedGen C0950123, MeSH D030342.

Submission:

Ambry Genetics
Classification: Uncertain significance for Inborn genetic diseases. Last evaluated: 2023-07-12. Review status: criteria provided, single submitter. Criteria: Ambry Variant Classification Scheme 2023. Collection method: clinical testing. Allele origin: germline.
Comment: The p.L213P variant (also known as c.638T>C), located in coding exon 7 of the AKT1 gene, results from a T to C substitution at nucleotide position 638. The leucine at codon 213 is replaced by proline, an amino acid with similar properties. This amino acid position is conserved. In addition, this alteration is predicted to be deleterious by in silico analysis. Since supporting evidence is limited at this time, the clinical significance of this alteration remains unclear.

NM_001382430.1(AKT1):c.638T>C (p.Leu213Pro)

Gene: AKT1 (AKT serine/threonine kinase 1; minus strand). Cytogenetic location: 14q32.33.
Variant type: single nucleotide variant.
Coding change: c.638T>C on transcript NM_001382430.1 (MANE Select); coding-DNA position 638, T replaced by C.
Protein change: p.Leu213Pro; replaces leucine 213 with proline.
Molecular consequence: missense variant.
Genome position (GRCh38, 1-based): chr14:104,773,976, A>G on the plus strand (T>C on the coding strand, the complement: AKT1 is on the minus strand). VCF-style: chr14-104773976-A-G. GRCh37 (hg19) VCF-style: chr14-105240313-A-G.
Other names: c.638T>C, p.Leu213Pro (NM_001014431.2, NM_001014432.2, NM_001382431.1 and 3 more transcripts); short protein forms L213P.
Identifiers: ClinVar variation 2587636 (VCV002587636.2), dbSNP rs2542133827, ClinGen allele CA391218969.